The following is an entry in ClinVar:

NM_000264.5(PTCH1):c.1971dup (p.Met658fs)

Genes: PTCH1 (patched 1; minus strand), LOC100507346 (uncharacterized LOC100507346; plus strand). Cytogenetic location: 9q22.32.
Variant type: Duplication.
Coding change: c.1971dup on transcript NM_000264.5 (MANE Select); coding-DNA position 1971, one base duplicated (C; older notation c.1971dupC).
Protein change: p.Met658fs; shifts the reading frame from methionine 658.
Molecular consequence: frameshift variant. On other transcripts: non-coding transcript variant (2).
Genome position (GRCh38, 1-based): chr9:95,469,030, G duplicated on the plus strand (C on the coding strand, the reverse complement: PTCH1 is on the minus strand); the first of 2 consecutive G bases (chr9:95,469,030-95,469,031); duplicating either gives the same sequence. VCF-style (leftmost placement, unchanged base first): chr9-95469029-T-TG. GRCh37 (hg19) VCF-style: chr9-98231311-T-TG.
Other names: c.1773dup, p.Met592fs (NM_001083602.3); c.1968dup, p.Met657fs (NM_001083603.3); c.1518dup, p.Met507fs (NM_001083604.3, NM_001083605.3, NM_001083606.3 and 1 more transcripts); c.1815dup, p.Met606fs (NM_001354918.2); short protein forms M507fs, M592fs, M606fs, M657fs, M658fs.
Identifiers: ClinVar variation 4823480 (VCV004823480.4).

ClinVar aggregate classification (germline): Pathogenic (1 of 4 stars; one submission).

Submission:

CeGaT Center for Human Genetics Tuebingen
Classification: Pathogenic. Last evaluated: 2026-02-01. Review status: criteria provided, single submitter. Criteria: CeGaT Center For Human Genetics Tuebingen Variant Classification Criteria Version 2. Collection method: clinical testing. Allele origin: germline. Affected: yes. Observed: 1 variant allele.
Comment: PTCH1: PVS1, PM2, PS2:Moderate